The following is an entry in ClinVar:

NM_001374736.1(DST):c.3051G>A (p.Ala1017=)

Gene: DST (dystonin; minus strand). Cytogenetic location: 6p12.1.
Variant type: single nucleotide variant.
Coding change: c.3051G>A on transcript NM_001374736.1 (MANE Select); coding-DNA position 3051, G replaced by A.
Protein change: p.Ala1017=; no amino-acid change (alanine 1017 retained).
Molecular consequence: synonymous variant.
Genome position (GRCh38, 1-based): chr6:56,636,566, C>T on the plus strand (G>A on the coding strand, the complement: DST is on the minus strand). VCF-style: chr6-56636566-C-T. GRCh37 (hg19) VCF-style: chr6-56501364-C-T.
Other names: c.2952G>A, p.Ala984= (NM_001144769.5); c.2538G>A, p.Ala846= (NM_001144770.2); c.3051G>A, p.Ala1017= (NM_001374722.1); c.2418G>A, p.Ala806= (NM_001374729.1, NM_001374730.1, NM_001386100.1 and 1 more transcripts); c.3078G>A, p.Ala1026= (NM_001374734.1); c.1440G>A, p.Ala480= (NM_001723.7, NM_015548.5).
Identifiers: ClinVar variation 703452 (VCV000703452.15), dbSNP rs143352267, ClinGen allele CA3871251.
Genomic context (GRCh38, chr6:56,636,566, plus strand): 5'-TTAGCCAAAATCACAATACCATCTATTGAAGTTATGATTCTACTCACATACCTCGAAATA[C>T]GCTGTGTTCTCCTTTATGTGCTGCTCCACACACTGGCAGAGCTGTAAGATCCAGCTCCAC-3'
Protein context (NP_001361665.1, residues 1007-1027): CVEQHIKENT[Ala1017=]YFEFFNDAKE

ClinVar aggregate classification (germline): Likely benign. Review status: criteria provided, multiple submitters, no conflicts (2 of 4 stars). 2 submissions from 2 submitters: Likely benign (2). Last evaluated 2025-12-16.

Conditions:
Epidermolysis bullosa simplex 3, localized or generalized intermediate, with BP230 deficiency (EBS3). Also called: Epidermolysis bullosa simplex due to BP230 deficiency; Epidermolysis bullosa simplex, autosomal recessive 2. Identifiers: Orphanet 412181, MedGen C3809470, MONDO:0014180, OMIM 615425.
Hereditary sensory and autonomic neuropathy type 6. Also called: Neuropathy, hereditary sensory and autonomic, type VI; HSAN VI. Identifiers: Orphanet 314381, MedGen C3539003, MONDO:0013839, OMIM 614653.
DST-related disorder. Also called: DST-related disorders; DST-related condition.

Allele frequency attached by ClinVar (database versions not stated): gnomAD exomes 0.00005 and 0.00014; ExAC 0.00016; TOPMed 0.00036; ESP Exome Variant Server 0.00038; gnomAD 0.00040; 1000 Genomes Project 30x 0.00047; 1000 Genomes Project 0.00060.
gnomAD v4.1: 140 of 1,612,630 alleles (0.0087%); highest among the groups gnomAD compares: African/African-American, 0.15%; no homozygotes.

Submissions (2):

PreventionGenetics, part of Exact Sciences
Classification: Likely benign for DST-related condition. Last evaluated: 2025-12-16. Review status: criteria provided, single submitter. Criteria: ACMG Guidelines, 2015. Collection method: clinical testing. Allele origin: germline.
Comment: This variant is classified as likely benign based on ACMG/AMP sequence variant interpretation guidelines (Richards et al. 2015 PMID: 25741868, with internal and published modifications).

Labcorp Genetics (formerly Invitae), Labcorp
Classification: Likely benign for Epidermolysis bullosa simplex 3, localized or generalized intermediate, with BP230 deficiency; Hereditary sensory and autonomic neuropathy type 6. Last evaluated: 2025-05-22. Review status: criteria provided, single submitter. Criteria: Invitae Variant Classification Sherloc (09022015). Collection method: clinical testing. Allele origin: germline.